The following is an entry in ClinVar:

NM_001733.7(C1R):c.953T>G (p.Phe318Cys)

Gene: C1R (complement C1r; minus strand). Cytogenetic location: 12p13.31.
Variant type: single nucleotide variant.
Coding change: c.953T>G on transcript NM_001733.7 (MANE Select); coding-DNA position 953, T replaced by G.
Protein change: p.Phe318Cys; replaces phenylalanine 318 with cysteine.
Molecular consequence: missense variant.
Genome position (GRCh38, 1-based): chr12:7,088,695, A>C on the plus strand (T>G on the coding strand, the complement: C1R is on the minus strand). VCF-style: chr12-7088695-A-C. GRCh37 (hg19) VCF-style: chr12-7241291-A-C.
Other names: c.995T>G, p.Phe332Cys (NM_001354346.2); short protein forms F318C, F332C.
Identifiers: ClinVar variation 1012819 (VCV001012819.39), dbSNP rs1159906454, ClinGen allele CA383722974.

ClinVar aggregate classification (germline): Uncertain significance. Review status: criteria provided, multiple submitters, no conflicts (2 of 4 stars). 2 submissions from 2 submitters: Uncertain significance (2). Last evaluated 2025-01-22.

Allele frequency attached by ClinVar (database versions not stated): TOPMed 0.00001; gnomAD 0.00002; gnomAD exomes 0.00002.

Submissions (2):

Women's Health and Genetics/Laboratory Corporation of America, LabCorp
Classification: Uncertain significance. Last evaluated: 2025-01-22. Review status: criteria provided, single submitter. Criteria: LabCorp Variant Classification Summary - May 2015. Collection method: clinical testing. Allele origin: germline.
Comment: Variant summary: C1R c.953T>G (p.Phe318Cys) results in a non-conservative amino acid change located in the Sushi/SCR/CCP domain (IPR000436) of the encoded protein sequence. Three of five in-silico tools predict a benign effect of the variant on protein function. The variant allele was found at a frequency of 1.9e-05 in 769,618 control chromosomes in the gnomAD database (v4.1 dataset). The observed variant frequency is approximately 20-fold of the estimated maximal expected allele frequency for a pathogenic variant in C1R causing Ehlers-Danlos syndrome, periodontal type 1 phenotype (1e-06), however this variant is covered in fewer than 50% of individuals in gnomAD v4.1.0 exomes, therefore allele frequency estimates may not be reliable. To our knowledge, no occurrence of c.953T>G in individuals affected with Ehlers-Danlos syndrome, periodontal type 1 and no experimental evidence demonstrating its impact on protein function have been reported. ClinVar contains an entry for this variant (Variation ID: 1012819). Based on the evidence outlined above, the variant was classified as VUS-possibly benign.

CeGaT Center for Human Genetics Tuebingen
Classification: Uncertain significance. Last evaluated: 2020-12-01. Review status: criteria provided, single submitter. Criteria: CeGaT Center For Human Genetics Tuebingen Variant Classification Criteria Version 2. Collection method: clinical testing. Allele origin: germline. Affected: yes. Observed: 1 variant allele.